The following is an entry in ClinVar:

ClinVar aggregate classification (germline): Uncertain significance (1 of 4 stars; one submission).

Conditions:
PCSK1-related disorder. Also called: PCSK1-related condition.

Submission:

PreventionGenetics, part of Exact Sciences
Classification: Uncertain significance for PCSK1-related condition. Last evaluated: 2025-02-21. Review status: criteria provided, single submitter. Criteria: ACMG Guidelines, 2015. Collection method: clinical testing. Allele origin: germline.
Comment: The PCSK1 c.980A>G variant is predicted to result in the amino acid substitution p.Tyr327Cys. To our knowledge, this variant has not been reported in the literature or in a large population database (gnomAD), indicating this variant is rare. In vitro functional studies showed moderate evidence of loss of function (Supplemental Data Set, Shah et al. 2023. PubMed ID: 36864747). Although we suspect that this variant may be pathogenic, at this time, the clinical significance of this variant is uncertain due to the absence of conclusive functional and genetic evidence.

NM_000439.5(PCSK1):c.980A>G (p.Tyr327Cys)

Genes: CAST (calpastatin; plus strand), PCSK1 (proprotein convertase subtilisin/kexin type 1; minus strand), LOC101929710 (uncharacterized LOC101929710; plus strand). Cytogenetic location: 5q15.
Variant type: single nucleotide variant.
Coding change: c.980A>G on transcript NM_000439.5 (MANE Select); coding-DNA position 980, A replaced by G.
Protein change: p.Tyr327Cys; replaces tyrosine 327 with cysteine.
Molecular consequence: missense variant. On other transcripts: intron variant (11).
Genome position (GRCh38, 1-based): chr5:96,410,889, T>C on the plus strand (A>G on the coding strand, the complement: PCSK1 is on the minus strand). VCF-style: chr5-96410889-T-C. GRCh37 (hg19) VCF-style: chr5-95746593-T-C.
Other names: c.-175+31237T>C (NM_001423256.1, NM_001423252.1, NM_001423257.1 and 6 more transcripts); c.-40+31237T>C (NM_001423258.1); c.839A>G, p.Tyr280Cys (NM_001177875.2); c.-103+31237T>C (NM_001423253.1); short protein forms Y280C, Y327C.
Identifiers: ClinVar variation 3347858 (VCV003347858.2).